The following is an entry in ClinVar:

NM_018684.4(ZC4H2):c.246A>C (p.Gln82His)

Gene: ZC4H2 (zinc finger C4H2-type containing; minus strand). Cytogenetic location: Xq11.2.
Variant type: single nucleotide variant.
Coding change: c.246A>C on transcript NM_018684.4 (MANE Select); coding-DNA position 246, A replaced by C.
Protein change: p.Gln82His; replaces glutamine 82 with histidine.
Molecular consequence: missense variant. On other transcripts: non-coding transcript variant (1).
Genome position (GRCh38, 1-based): chrX:64,920,233, T>G on the plus strand (A>C on the coding strand, the complement: ZC4H2 is on the minus strand). VCF-style: chrX-64920233-T-G. GRCh37 (hg19) VCF-style: chrX-64140113-T-G.
Other names: c.177A>C, p.Gln59His (NM_001178032.3, NM_001243804.2); c.246A>C, p.Gln82His (NM_001178033.3); short protein forms Q59H, Q82H.
Identifiers: ClinVar variation 1064559 (VCV001064559.3), dbSNP rs778806442, ClinGen allele CA10433454.

ClinVar aggregate classification (germline): Uncertain significance. Review status: criteria provided, multiple submitters, no conflicts (2 of 4 stars). 2 submissions from 2 submitters: Uncertain significance (2). Last evaluated 2023-07-12.

Conditions:
Wieacker-Wolff syndrome, female-restricted (WRWFFR). Identifiers: MedGen C5393303, MONDO:0026762, OMIM 301041.
Inborn genetic diseases. Identifiers: MedGen C0950123, MeSH D030342.

Allele frequency attached by ClinVar (database versions not stated): TOPMed below 0.00001; ExAC 0.00001; gnomAD exomes 0.00001.
gnomAD v4.1: 12 of 1,210,502 alleles (0.00099%); highest among the groups gnomAD compares: Non-Finnish European, 0.0013%; no homozygotes.

Submissions (2):

Ambry Genetics
Classification: Uncertain significance for Inborn genetic diseases. Last evaluated: 2023-07-12. Review status: criteria provided, single submitter. Criteria: Ambry Variant Classification Scheme 2023. Collection method: clinical testing. Allele origin: germline.

UNC Molecular Genetics  Laboratory, University of North Carolina at Chapel Hill
Classification: Uncertain significance for Wieacker-Wolff syndrome, female-restricted. Last evaluated: 2020-04-01. Review status: criteria provided, single submitter. Criteria: ACMG Guidelines, 2015. Collection method: research. Allele origin: maternal. Observed: 1 variant allele. Study: CSER_NCGENES.
Comment: ZC4H2 c.246A>C (p.Gln82His) is a missense variant that changes a single amino acid from a glutamine to a histidine in the encoded protein. This variant has been rarely observed in gnomAD human population database (1 in 181248 alleles) and has not been reported previously in the clinical literature. This variant has conflicting predictions of pathogenicity by in silico tools and its effect on protein function is unknown. This variant is classified as a variant uncertain significance.